The following is an entry in ClinVar:

ClinVar aggregate classification (germline): Uncertain significance (1 of 4 stars; one submission).

Submission:

Ambry Genetics
Classification: Uncertain significance. Last evaluated: 2025-03-03. Review status: criteria provided, single submitter. Criteria: Ambry Variant Classification Scheme 2023. Collection method: clinical testing. Allele origin: germline.
Comment: The p.V746G variant (also known as c.2237T>G), located in coding exon 22 of the KIF1B gene, results from a T to G substitution at nucleotide position 2237. The valine at codon 746 is replaced by glycine, an amino acid with dissimilar properties. This amino acid position is conserved. In addition, this alteration is predicted to be deleterious by in silico analysis. Based on the available evidence, the clinical significance of this variant remains unclear.

NM_001365951.3(KIF1B):c.2375T>G (p.Val792Gly)

Gene: KIF1B (kinesin family member 1B; plus strand). Cytogenetic location: 1p36.22.
Variant type: single nucleotide variant.
Coding change: c.2375T>G on transcript NM_001365951.3 (MANE Select); coding-DNA position 2375, T replaced by G.
Protein change: p.Val792Gly; replaces valine 792 with glycine.
Molecular consequence: missense variant.
Genome position (GRCh38, 1-based): chr1:10,323,900, T>G. VCF-style: chr1-10323900-T-G. GRCh37 (hg19) VCF-style: chr1-10383958-T-G.
Other names: c.2375T>G, p.Val792Gly (NM_001365952.1); c.2237T>G, p.Val746Gly (NM_015074.3); short protein forms V792G, V746G.
Identifiers: ClinVar variation 3864117 (VCV003864117.1).